The following is an entry in ClinVar:

ClinVar aggregate classification (germline): Uncertain significance. Review status: criteria provided, multiple submitters, no conflicts (2 of 4 stars). 3 submissions from 3 submitters: Uncertain significance (3). Last evaluated 2026-05-01.

Conditions:
COL9A3-related disorder. Also called: COL9A3-related condition.
Inborn genetic diseases. Identifiers: MedGen C0950123, MeSH D030342.

Allele frequency attached by ClinVar (database versions not stated): gnomAD exomes below 0.00001; ExAC 0.00001.
gnomAD v4.1: 3 of 1,612,844 alleles (0.00019%); highest among the groups gnomAD compares: Middle Eastern, 0.016%; no homozygotes.

Submissions (3):

PreventionGenetics, part of Exact Sciences
Classification: Uncertain significance for COL9A3-related condition. Last evaluated: 2026-05-01. Review status: criteria provided, single submitter. Criteria: ACMG Guidelines, 2015. Collection method: clinical testing. Allele origin: germline.
Comment: The COL9A3 c.367C>G variant is predicted to result in the amino acid substitution p.Pro123Ala. To our knowledge, this variant has not been reported in the literature. This variant is reported in 0.00089% of alleles in individuals of European (Non-Finnish) descent in gnomAD. At this time, the clinical significance of this variant is uncertain due to the absence of conclusive functional and genetic evidence.

Labcorp Genetics (formerly Invitae), Labcorp
Classification: Uncertain significance. Last evaluated: 2025-10-06. Review status: criteria provided, single submitter. Criteria: Invitae Variant Classification Sherloc (09022015). Collection method: clinical testing. Allele origin: germline.
Comment: This sequence change replaces proline, which is neutral and non-polar, with alanine, which is neutral and non-polar, at codon 123 of the COL9A3 protein (p.Pro123Ala). This variant is present in population databases (rs747668713, gnomAD 0.0009%). This variant has not been reported in the literature in individuals affected with COL9A3-related conditions. ClinVar contains an entry for this variant (Variation ID: 1927802). Experimental studies and prediction algorithms are not available or were not evaluated, and the functional significance of this variant is currently unknown. In summary, the available evidence is currently insufficient to determine the role of this variant in disease. Therefore, it has been classified as a Variant of Uncertain Significance.

Ambry Genetics
Classification: Uncertain significance for Inborn genetic diseases. Last evaluated: 2024-10-20. Review status: criteria provided, single submitter. Criteria: Ambry Variant Classification Scheme 2023. Collection method: clinical testing. Allele origin: germline.

NM_001853.4(COL9A3):c.367C>G (p.Pro123Ala)

Gene: COL9A3 (collagen type IX alpha 3 chain; plus strand). Cytogenetic location: 20q13.33.
Variant type: single nucleotide variant.
Coding change: c.367C>G on transcript NM_001853.4 (MANE Select); coding-DNA position 367, C replaced by G.
Protein change: p.Pro123Ala; replaces proline 123 with alanine.
Molecular consequence: missense variant.
Genome position (GRCh38, 1-based): chr20:62,821,528, C>G. VCF-style: chr20-62821528-C-G. GRCh37 (hg19) VCF-style: chr20-61452880-C-G.
Other names: c.367C>G (NM_001853.3); short protein forms P123A.
Identifiers: ClinVar variation 1927802 (VCV001927802.7), dbSNP rs747668713, ClinGen allele CA9949199.